The following is an entry in ClinVar:

ClinVar aggregate classification (germline): Pathogenic/Likely pathogenic. Review status: criteria provided, multiple submitters, no conflicts (2 of 4 stars). 2 submissions from 2 submitters: Pathogenic (1); Likely pathogenic (1). Last evaluated 2025-07-21.

Conditions:
PMM2-congenital disorder of glycosylation. Also called: PMM2-CDG; CDG Ia; JAEKEN SYNDROME; Congenital disorder of glycosylation, type Ia; PHOSPHOMANNOMUTASE 2 DEFICIENCY; CARBOHYDRATE-DEFICIENT GLYCOPROTEIN SYNDROME, TYPE Ia. Identifiers: Orphanet 79318, MedGen C0349653, MONDO:0008907, OMIM 212065.

Submissions (2):

Labcorp Genetics (formerly Invitae), Labcorp
Classification: Pathogenic for PMM2-congenital disorder of glycosylation. Last evaluated: 2025-07-21. Review status: criteria provided, single submitter. Criteria: Invitae Variant Classification Sherloc (09022015). Collection method: clinical testing. Allele origin: germline.
Comment: This sequence change creates a premature translational stop signal (p.Glu27*) in the PMM2 gene. It is expected to result in an absent or disrupted protein product. Loss-of-function variants in PMM2 are known to be pathogenic (PMID: 19862844). This variant is not present in population databases (gnomAD no frequency). This variant has not been reported in the literature in individuals affected with PMM2-related conditions. ClinVar contains an entry for this variant (Variation ID: 2677889). For these reasons, this variant has been classified as Pathogenic.

Baylor Genetics
Classification: Likely pathogenic for PMM2-congenital disorder of glycosylation. Last evaluated: 2023-03-08. Review status: criteria provided, single submitter. Criteria: ACMG Guidelines, 2015. Collection method: clinical testing. Allele origin: unknown.

Literature cited by the submitters: PubMed 19862844 (cited by Labcorp Genetics (formerly Invitae), Labcorp).

NM_000303.3(PMM2):c.79G>T (p.Glu27Ter)

Gene: PMM2 (phosphomannomutase 2; plus strand). Cytogenetic location: 16p13.2.
Variant type: single nucleotide variant.
Coding change: c.79G>T on transcript NM_000303.3 (MANE Select); coding-DNA position 79, G replaced by T.
Protein change: p.Glu27Ter; replaces glutamic acid 27 with a stop codon.
Molecular consequence: nonsense.
Genome position (GRCh38, 1-based): chr16:8,801,811, G>T. VCF-style: chr16-8801811-G-T. GRCh37 (hg19) VCF-style: chr16-8895668-G-T.
Other names: short protein forms E27*.
Identifiers: ClinVar variation 2677889 (VCV002677889.2), dbSNP rs747777230, ClinGen allele CA394695143.
Genomic context (GRCh38, chr16:8,801,811, plus strand): 5'-GATTATTGTGTGGCTTATGACTGTTGTATTTTCTTTCTTGAAATTTAGAAAATTACCAAA[G>T]AAATGGATGACTTCCTACAAAAATTGAGGCAGAAGATCAAAATCGGAGTGGTAGGCGGAT-3'